The following is an entry in ClinVar:

ClinVar aggregate classification (germline): Uncertain significance. Review status: criteria provided, multiple submitters, no conflicts (2 of 4 stars). 2 submissions from 2 submitters: Uncertain significance (2). Last evaluated 2023-12-05.

Conditions:
Hypertrophic cardiomyopathy. Also called: HYPERTROPHIC MYOCARDIOPATHY. Identifiers: Orphanet 217569, MedGen C0007194, MeSH D002312, MONDO:0005045, HP:0001639.
Cardiomyopathy (CMYO). Also called: Cardiomyopathies. Identifiers: Orphanet 167848, MedGen C0878544, MONDO:0004994, HP:0001638. Inheritance: Various modes of inheritance.

Submissions (2):

Color Diagnostics, LLC DBA Color Health
Classification: Uncertain significance for Cardiomyopathy. Last evaluated: 2023-12-05. Review status: criteria provided, single submitter. Criteria: ACMG Guidelines, 2015. Collection method: clinical testing. Allele origin: germline.
Comment: Variant of Uncertain Significance due to insufficient evidence: This missense variant is located in the LMM domain of the MYH7 protein, a C-terminal tail region that forms the thick filament backbone and interacts with other proteins. Computational prediction tools and conservation analyses suggest that this variant may not impact the protein function. Computational splicing tools suggest that this variant may not impact RNA splicing. To our knowledge, functional assays have not been performed for this variant nor has this variant been reported in individuals affected with cardiovascular disorders in the literature. This variant is rare in the general population and has been identified in 0/277264 chromosomes by the Genome Aggregation Database (gnomAD). Available evidence is insufficient to determine the pathogenicity of this variant conclusively.

Labcorp Genetics (formerly Invitae), Labcorp
Classification: Uncertain significance for Hypertrophic cardiomyopathy. Last evaluated: 2022-02-05. Review status: criteria provided, single submitter. Criteria: Invitae Variant Classification Sherloc (09022015). Collection method: clinical testing. Allele origin: germline.
Comment: This sequence change replaces alanine, which is neutral and non-polar, with aspartic acid, which is acidic and polar, at codon 1663 of the MYH7 protein (p.Ala1663Asp). This variant is not present in population databases (gnomAD no frequency). This variant has not been reported in the literature in individuals affected with MYH7-related conditions. ClinVar contains an entry for this variant (Variation ID: 920573). Algorithms developed to predict the effect of missense changes on protein structure and function are either unavailable or do not agree on the potential impact of this missense change (SIFT: "Deleterious"; PolyPhen-2: "Benign"; Align-GVGD: "Class C0"). In summary, the available evidence is currently insufficient to determine the role of this variant in disease. Therefore, it has been classified as a Variant of Uncertain Significance.

NM_000257.4(MYH7):c.4988C>A (p.Ala1663Asp)

Genes: MHRT (myosin heavy chain associated RNA transcript; plus strand), MYH7 (myosin heavy chain 7; minus strand), LOC126861897 (BRD4-independent group 4 enhancer GRCh37_chr14:23884455-23885654; plus strand). Cytogenetic location: 14q11.2.
Variant type: single nucleotide variant.
Coding change: c.4988C>A on transcript NM_000257.4 (MANE Select); coding-DNA position 4988, C replaced by A.
Protein change: p.Ala1663Asp; replaces alanine 1663 with aspartic acid.
Molecular consequence: missense variant. On other transcripts: non-coding transcript variant (1).
Genome position (GRCh38, 1-based): chr14:23,415,798, G>T on the plus strand (C>A on the coding strand, the complement: MYH7 is on the minus strand). VCF-style: chr14-23415798-G-T. GRCh37 (hg19) VCF-style: chr14-23885007-G-T.
Other names: short protein forms A1663D.
Identifiers: ClinVar variation 920573 (VCV000920573.12), dbSNP rs1892175888, ClinGen allele CA389037191.
Genomic context (GRCh38, chr14:23,415,798, plus strand): 5'-GCCTGCAGCAGGTTGTTGCGCCGCTCCACGATGGCGATGTTCTCCTTCAGGTCGTCGTTG[G>T]CACGGACTGCATCGTCCAGCTGAATCTGGGTGTCCTGAGGATCAGGAGAGTGGGCATGAG-3'
Protein context (NP_000248.2, residues 1653-1673): TQIQLDDAVR[Ala1663Asp]NDDLKENIAI